The following is an entry in ClinVar:

NM_015512.5(DNAH1):c.3946G>A (p.Glu1316Lys)

Gene: DNAH1 (dynein axonemal heavy chain 1; plus strand). Cytogenetic location: 3p21.1.
Variant type: single nucleotide variant.
Coding change: c.3946G>A on transcript NM_015512.5 (MANE Select); coding-DNA position 3946, G replaced by A.
Protein change: p.Glu1316Lys; replaces glutamic acid 1316 with lysine.
Molecular consequence: missense variant.
Genome position (GRCh38, 1-based): chr3:52,357,701, G>A. VCF-style: chr3-52357701-G-A. GRCh37 (hg19) VCF-style: chr3-52391717-G-A.
Other names: short protein forms E1316K.
Identifiers: ClinVar variation 2173631 (VCV002173631.4), dbSNP rs781171152, ClinGen allele CA2433742.

ClinVar aggregate classification (germline): Uncertain significance (1 of 4 stars; one submission).

Conditions:
Ciliary dyskinesia, primary, 37 (CILD37). Also called: CILIARY DYSKINESIA, PRIMARY, 37, WITH OR WITHOUT SITUS INVERSUS. Identifiers: MedGen C4539798, MONDO:0033204, OMIM 617577.
Spermatogenic failure 18. Identifiers: MedGen C4539783, MONDO:0054615, OMIM 617576.

Allele frequency attached by ClinVar (database versions not stated): gnomAD exomes 0.00001.

Submission:

Labcorp Genetics (formerly Invitae), Labcorp
Classification: Uncertain significance for Ciliary dyskinesia, primary, 37; Spermatogenic failure 18. Last evaluated: 2023-03-22. Review status: criteria provided, single submitter. Criteria: Invitae Variant Classification Sherloc (09022015). Collection method: clinical testing. Allele origin: germline.
Comment: This variant is present in population databases (rs781171152, gnomAD 0.02%). This sequence change replaces glutamic acid, which is acidic and polar, with lysine, which is basic and polar, at codon 1316 of the DNAH1 protein (p.Glu1316Lys). This variant has not been reported in the literature in individuals affected with DNAH1-related conditions. In summary, the available evidence is currently insufficient to determine the role of this variant in disease. Therefore, it has been classified as a Variant of Uncertain Significance. Advanced modeling of protein sequence and biophysical properties (such as structural, functional, and spatial information, amino acid conservation, physicochemical variation, residue mobility, and thermodynamic stability) performed at Invitae indicates that this missense variant is not expected to disrupt DNAH1 protein function. ClinVar contains an entry for this variant (Variation ID: 2173631).